The following is an entry in ClinVar:

NM_001378452.1(ITPR1):c.2007-7T>G

Gene: ITPR1 (inositol 1,4,5-trisphosphate receptor type 1; plus strand). Cytogenetic location: 3p26.1.
Variant type: single nucleotide variant.
Coding change: c.2007-7T>G on transcript NM_001378452.1 (MANE Select); 7 bases into the intron before coding-DNA position 2007, T replaced by G.
Molecular consequence: intron variant.
Genome position (GRCh38, 1-based): chr3:4,670,722, T>G. VCF-style: chr3-4670722-T-G. GRCh37 (hg19) VCF-style: chr3-4712406-T-G.
Other names: c.2007-7T>G (NM_001099952.4); c.1962-7T>G (NM_001168272.2, NM_002222.7).
Identifiers: ClinVar variation 345709 (VCV000345709.11), dbSNP rs764512335, ClinGen allele CA2231329.

ClinVar aggregate classification (germline): Benign/Likely benign. Review status: criteria provided, multiple submitters, no conflicts (2 of 4 stars). 4 submissions from 4 submitters: Benign (2); Likely benign (2). Last evaluated 2026-07-01.

Conditions:
Autosomal dominant cerebellar ataxia. Also called: Spinocerebellar Ataxia, Dominant. Identifiers: Orphanet 99, MedGen C4087347, MONDO:0020380.

Allele frequency attached by ClinVar (database versions not stated): TOPMed 0.00009; gnomAD exomes 0.00011; gnomAD 0.00016; ExAC 0.00023.
gnomAD v4.1: 34 of 1,564,020 alleles (0.0022%); highest among the groups gnomAD compares: East Asian, 0.057%; no homozygotes.

Submissions (4):

CeGaT Center for Human Genetics Tuebingen
Classification: Likely benign. Last evaluated: 2026-07-01. Review status: criteria provided, single submitter. Criteria: CeGaT Center For Human Genetics Tuebingen Variant Classification Criteria Version 2. Collection method: clinical testing. Allele origin: germline. Affected: yes. Observed: 1 variant allele.
Comment: ITPR1: BP4

Labcorp Genetics (formerly Invitae), Labcorp
Classification: Likely benign. Last evaluated: 2024-07-30. Review status: criteria provided, single submitter. Criteria: Invitae Variant Classification Sherloc (09022015). Collection method: clinical testing. Allele origin: germline.

Athena Diagnostics
Classification: Benign. Last evaluated: 2018-12-21. Review status: criteria provided, single submitter. Criteria: Athena Diagnostics Criteria. Collection method: clinical testing. Allele origin: germline.

Illumina Laboratory Services, Illumina
Classification: Benign for Spinocerebellar Ataxia, Dominant. Last evaluated: 2018-01-12. Review status: criteria provided, single submitter. Criteria: ICSL Variant Classification Criteria 13 December 2019. Collection method: clinical testing. Allele origin: germline.
Comment: This variant was observed in the ICSL laboratory as part of a predisposition screen in an ostensibly healthy population. It had not been previously curated by ICSL or reported in the Human Gene Mutation Database (HGMD: prior to June 1st, 2018), and was therefore a candidate for classification through an automated scoring system. Utilizing variant allele frequency, disease prevalence and penetrance estimates, and inheritance mode, an automated score was calculated to assess if this variant is too frequent to cause the disease. Based on the score and internal cut-off values, a variant classified as benign is not then subjected to further curation. The score for this variant resulted in a classification of benign for this disease.